The following is an entry in ClinVar:

ClinVar aggregate classification (germline): Uncertain significance (1 of 4 stars; one submission).

gnomAD v4.1: 53 of 1,613,924 alleles (0.0033%); highest among the groups gnomAD compares: Non-Finnish European, 0.0038%; no homozygotes.

Submission:

Labcorp Genetics (formerly Invitae), Labcorp
Classification: Uncertain significance. Last evaluated: 2024-06-05. Review status: criteria provided, single submitter. Criteria: Invitae Variant Classification Sherloc (09022015). Collection method: clinical testing. Allele origin: germline.
Comment: This sequence change replaces alanine, which is neutral and non-polar, with valine, which is neutral and non-polar, at codon 579 of the LAMA3 protein (p.Ala579Val). This variant is present in population databases (rs145422538, gnomAD 0.007%). This variant has not been reported in the literature in individuals affected with LAMA3-related conditions. An algorithm developed to predict the effect of missense changes on protein structure and function (PolyPhen-2) suggests that this variant is likely to be tolerated. In summary, the available evidence is currently insufficient to determine the role of this variant in disease. Therefore, it has been classified as a Variant of Uncertain Significance.

NM_198129.4(LAMA3):c.6563C>T (p.Ala2188Val)

Gene: LAMA3 (laminin subunit alpha 3; plus strand). Cytogenetic location: 18q11.2.
Variant type: single nucleotide variant.
Coding change: c.6563C>T on transcript NM_198129.4 (MANE Select); coding-DNA position 6563, C replaced by T.
Protein change: p.Ala2188Val; replaces alanine 2188 with valine.
Molecular consequence: missense variant.
Genome position (GRCh38, 1-based): chr18:23,904,642, C>T. VCF-style: chr18-23904642-C-T. GRCh37 (hg19) VCF-style: chr18-21484606-C-T.
Other names: c.1736C>T, p.Ala579Val (NM_000227.6); c.6395C>T, p.Ala2132Val (NM_001127717.4); c.1568C>T, p.Ala523Val (NM_001127718.4); short protein forms A523V, A2132V, A579V, A2188V.
Identifiers: ClinVar variation 3730321 (VCV003730321.2).